The following is an entry in ClinVar:

ClinVar aggregate classification (germline): Likely benign (1 of 4 stars; one submission).

gnomAD v4.1: 19 of 1,613,020 alleles (0.0012%); highest among the groups gnomAD compares: South Asian, 0.019%; no homozygotes.

Submission:

CeGaT Center for Human Genetics Tuebingen
Classification: Likely benign. Last evaluated: 2025-12-01. Review status: criteria provided, single submitter. Criteria: CeGaT Center For Human Genetics Tuebingen Variant Classification Criteria Version 2. Collection method: clinical testing. Allele origin: germline. Affected: yes. Observed: 1 variant allele.
Comment: DLL1: BP4

NM_005618.4(DLL1):c.2006G>A (p.Gly669Asp)

Genes: DLL1 (delta like canonical Notch ligand 1; minus strand), LOC126859913 (P300/CBP strongly-dependent group 1 enhancer GRCh37_chr6:170591232-170592431; plus strand). Cytogenetic location: 6q27.
Variant type: single nucleotide variant.
Coding change: c.2006G>A on transcript NM_005618.4 (MANE Select); coding-DNA position 2006, G replaced by A.
Protein change: p.Gly669Asp; replaces glycine 669 with aspartic acid.
Molecular consequence: missense variant.
Genome position (GRCh38, 1-based): chr6:170,283,273, C>T on the plus strand (G>A on the coding strand, the complement: DLL1 is on the minus strand). VCF-style: chr6-170283273-C-T. GRCh37 (hg19) VCF-style: chr6-170592361-C-T.
Other names: short protein forms G669D.
Identifiers: ClinVar variation 4681574 (VCV004681574.5).